The following is an entry in ClinVar:

ClinVar aggregate classification (germline): Uncertain significance (1 of 4 stars; one submission).

Allele frequency attached by ClinVar (database versions not stated): TOPMed below 0.00001; ExAC 0.00001; gnomAD exomes 0.00001.
gnomAD v4.1: 4 of 1,614,134 alleles (0.00025%); highest among the groups gnomAD compares: South Asian, 0.0022%; no homozygotes.

Submission:

Labcorp Genetics (formerly Invitae), Labcorp
Classification: Uncertain significance. Last evaluated: 2021-09-17. Review status: criteria provided, single submitter. Criteria: Invitae Variant Classification Sherloc (09022015). Collection method: clinical testing. Allele origin: germline.
Comment: This variant has not been reported in the literature in individuals affected with VPS13D-related conditions. This sequence change replaces arginine with glutamine at codon 1179 of the VPS13D protein (p.Arg1179Gln). The arginine residue is moderately conserved and there is a small physicochemical difference between arginine and glutamine. In summary, the available evidence is currently insufficient to determine the role of this variant in disease. Therefore, it has been classified as a Variant of Uncertain Significance. Algorithms developed to predict the effect of missense changes on protein structure and function are either unavailable or do not agree on the potential impact of this missense change (SIFT: "Not Available"; PolyPhen-2: "Probably Damaging"; Align-GVGD: "Not Available"). This variant is present in population databases (rs758420587, ExAC 0.006%).

NM_015378.4(VPS13D):c.3536G>A (p.Arg1179Gln)

Gene: VPS13D (vacuolar protein sorting 13 homolog D; plus strand). Cytogenetic location: 1p36.22.
Variant type: single nucleotide variant.
Coding change: c.3536G>A on transcript NM_015378.4 (MANE Select); coding-DNA position 3536, G replaced by A.
Protein change: p.Arg1179Gln; replaces arginine 1179 with glutamine.
Molecular consequence: missense variant.
Genome position (GRCh38, 1-based): chr1:12,277,124, G>A. VCF-style: chr1-12277124-G-A. GRCh37 (hg19) VCF-style: chr1-12337181-G-A.
Other names: c.3536G>A, p.Arg1179Gln (NM_018156.4); short protein forms R1179Q.
Identifiers: ClinVar variation 1479685 (VCV001479685.6), dbSNP rs758420587, ClinGen allele CA601986.